The following is an entry in ClinVar:

NM_015509.4(NECAP1):c.717A>G (p.Thr239=)

Gene: NECAP1 (NECAP endocytosis associated 1; plus strand). Cytogenetic location: 12p13.31.
Variant type: single nucleotide variant.
Coding change: c.717A>G on transcript NM_015509.4 (MANE Select); coding-DNA position 717, A replaced by G.
Protein change: p.Thr239=; no amino-acid change (threonine 239 retained).
Molecular consequence: synonymous variant. On other transcripts: non-coding transcript variant (1).
Genome position (GRCh38, 1-based): chr12:8,095,641, A>G. VCF-style: chr12-8095641-A-G. GRCh37 (hg19) VCF-style: chr12-8248237-A-G.
Identifiers: ClinVar variation 2642685 (VCV002642685.24), dbSNP rs2498185873, ClinGen allele CA478234544.
Genomic context (GRCh38, chr12:8,095,641, plus strand): 5'-TTTTCTTACCTTGTGTTTAGATATCCTTTTAGATTTGGATTCTCCTGCTCCTGTCACGAC[A>G]CCAGCACCAACTCCAGTTTCTGTAAGCAATGACTTGTGGGGAGACTTCAGCACTGCCTCC-3'
Protein context (NP_056324.2, residues 229-249): LDLDSPAPVT[Thr239=]PAPTPVSVSN

ClinVar aggregate classification (germline): Likely benign (1 of 4 stars; one submission).

Submission:

CeGaT Center for Human Genetics Tuebingen
Classification: Likely benign. Last evaluated: 2023-03-01. Review status: criteria provided, single submitter. Criteria: CeGaT Center For Human Genetics Tuebingen Variant Classification Criteria Version 2. Collection method: clinical testing. Allele origin: germline. Affected: yes. Observed: 1 variant allele.
Comment: NECAP1: PM2:Supporting, BP4, BP7